The following is an entry in ClinVar:

NM_004247.4(EFTUD2):c.1100G>A (p.Arg367Lys)

Gene: EFTUD2 (elongation factor Tu GTP binding domain containing 2; minus strand). Cytogenetic location: 17q21.31.
Variant type: single nucleotide variant.
Coding change: c.1100G>A on transcript NM_004247.4 (MANE Select); coding-DNA position 1100, G replaced by A.
Protein change: p.Arg367Lys; replaces arginine 367 with lysine.
Molecular consequence: missense variant.
Genome position (GRCh38, 1-based): chr17:44,867,856, C>T on the plus strand (G>A on the coding strand, the complement: EFTUD2 is on the minus strand). VCF-style: chr17-44867856-C-T. GRCh37 (hg19) VCF-style: chr17-42945224-C-T.
Other names: c.995G>A, p.Arg332Lys (NM_001142605.2); c.1100G>A, p.Arg367Lys (NM_001258353.2); c.1070G>A, p.Arg357Lys (NM_001258354.2); short protein forms R332K, R357K, R367K.
Identifiers: ClinVar variation 3774237 (VCV003774237.1).

ClinVar aggregate classification (germline): Uncertain significance (1 of 4 stars; one submission).

Submission:

GeneDx
Classification: Uncertain significance. Last evaluated: 2024-09-20. Review status: criteria provided, single submitter. Criteria: GeneDx Variant Classification Process June 2021. Collection method: clinical testing. Allele origin: germline. Affected: yes.
Comment: Not observed at significant frequency in large population cohorts (gnomAD); In silico analysis supports that this missense variant has a deleterious effect on protein structure/function; Has not been previously published as pathogenic or benign to our knowledge